The following is an entry in ClinVar:

NM_178433.1(LCE3B):c.39G>T (p.Leu13=)

Gene: LCE3B (late cornified envelope 3B; plus strand). Cytogenetic location: 1q21.3.
Variant type: single nucleotide variant.
Coding change: c.39G>T on transcript NM_178433.1 (MANE Select); coding-DNA position 39, G replaced by T.
Protein change: p.Leu13=; no amino-acid change (leucine 13 retained).
Molecular consequence: synonymous variant.
Genome position (GRCh38, 1-based): chr1:152,613,849, G>T. VCF-style: chr1-152613849-G-T. GRCh37 (hg19) VCF-style: chr1-152586325-G-T.
Identifiers: ClinVar variation 4872788 (VCV004872788.2).

ClinVar aggregate classification (germline): Likely benign (1 of 4 stars; one submission).

Submission:

CeGaT Center for Human Genetics Tuebingen
Classification: Likely benign. Last evaluated: 2026-05-01. Review status: criteria provided, single submitter. Criteria: CeGaT Center For Human Genetics Tuebingen Variant Classification Criteria Version 2. Collection method: clinical testing. Allele origin: germline. Affected: yes. Observed: 1 variant allele.
Comment: LCE3B: PM2:Supporting, BP4, BP7